The following is an entry in ClinVar:

NM_001164508.2(NEB):c.17215G>A (p.Asp5739Asn)

Gene: NEB (nebulin; minus strand). Cytogenetic location: 2q23.3.
Variant type: single nucleotide variant.
Coding change: c.17215G>A on transcript NM_001164508.2 (MANE Select); coding-DNA position 17215, G replaced by A.
Protein change: p.Asp5739Asn; replaces aspartic acid 5739 with asparagine.
Molecular consequence: missense variant.
Genome position (GRCh38, 1-based): chr2:151,570,296, C>T on the plus strand (G>A on the coding strand, the complement: NEB is on the minus strand). VCF-style: chr2-151570296-C-T. GRCh37 (hg19) VCF-style: chr2-152426810-C-T.
Other names: c.17215G>A, p.Asp5739Asn (NM_001164507.2, NM_001271208.2); c.12112G>A, p.Asp4038Asn (NM_004543.5); c.12112G>A (NM_004543.4); short protein forms D5739N, D4038N.
Identifiers: ClinVar variation 577073 (VCV000577073.11), dbSNP rs200672818, ClinGen allele CA1908259.

ClinVar aggregate classification (germline): Conflicting classifications of pathogenicity. Review status: criteria provided, conflicting classifications (1 of 4 stars). 4 submissions from 4 submitters: Uncertain significance (2); Benign (1). 1 of the submissions does not count toward it. Last evaluated 2025-11-01.

Conditions:
Inborn genetic diseases. Identifiers: MedGen C0950123, MeSH D030342.
Nemaline myopathy 2 (NEM2). Also called: Nemaline myopathy 2, autosomal recessive. Identifiers: MedGen C1850569, MONDO:0009725, OMIM 256030.

Allele frequency attached by ClinVar (database versions not stated): gnomAD exomes 0.00001 and 0.00002; ExAC 0.00005; gnomAD 0.00008 and 0.00009; TOPMed 0.00015; ESP Exome Variant Server 0.00032.
gnomAD v4.1: 25 of 1,612,934 alleles (0.0015%); highest among the groups gnomAD compares: African/African-American, 0.028%; no homozygotes.

Submissions (4):

Labcorp Genetics (formerly Invitae), Labcorp
Classification: Benign for Nemaline myopathy 2. Last evaluated: 2025-11-01. Review status: criteria provided, single submitter. Criteria: Invitae Variant Classification Sherloc (09022015). Collection method: clinical testing. Allele origin: germline.

GeneDx
Classification: Uncertain significance. Last evaluated: 2025-03-20. Review status: criteria provided, single submitter. Criteria: GeneDx Variant Classification Process June 2021. Collection method: clinical testing. Allele origin: germline. Affected: yes.
Comment: In silico analysis indicates that this missense variant does not alter protein structure/function; Has not been previously published as pathogenic or benign to our knowledge

Ambry Genetics
Classification: Uncertain significance for Inborn genetic diseases. Last evaluated: 2023-12-20. Review status: criteria provided, single submitter. Criteria: Ambry Variant Classification Scheme 2023. Collection method: clinical testing. Allele origin: germline.

Natera, Inc.
Classification: Uncertain significance for Nemaline myopathy type 2. Last evaluated: 2019-11-11. Review status: no assertion criteria provided. Collection method: clinical testing. Allele origin: germline. Not counted in ClinVar's aggregate classification.